The following is an entry in ClinVar:

NM_020207.7(ERCC6L2):c.143G>C (p.Gly48Ala)

Gene: ERCC6L2 (ERCC excision repair 6 like 2; plus strand). Cytogenetic location: 9q22.32.
Variant type: single nucleotide variant.
Coding change: c.143G>C on transcript NM_020207.7 (MANE Select); coding-DNA position 143, G replaced by C.
Protein change: p.Gly48Ala; replaces glycine 48 with alanine.
Molecular consequence: missense variant. On other transcripts: non-coding transcript variant (1).
Genome position (GRCh38, 1-based): chr9:95,880,965, G>C. VCF-style: chr9-95880965-G-C. GRCh37 (hg19) VCF-style: chr9-98643247-G-C.
Other names: c.143G>C, p.Gly48Ala (NM_001010895.4, NM_001375291.1, NM_001375292.1 and 2 more transcripts); short protein forms G48A.
Identifiers: ClinVar variation 3510038 (VCV003510038.1).
Genomic context (GRCh38, chr9:95,880,965, plus strand): 5'-CTCCAGATAATGGAAAACTTTGTGAAGCAAGCATAAAATCTATCACAGTGGATGAAAATG[G>C]CAAGTCATTTGCAGTCGTCTTATATGCAGATTTTCAAGAAAGGAAAATACCTCTTAAACA-3'
Protein context (NP_064592.3, residues 38-58): SIKSITVDEN[Gly48Ala]KSFAVVLYAD

ClinVar aggregate classification (germline): Uncertain significance (1 of 4 stars; one submission).

Conditions:
Inborn genetic diseases. Identifiers: MedGen C0950123, MeSH D030342.

Submission:

Ambry Genetics
Classification: Uncertain significance for Inborn genetic diseases. Last evaluated: 2024-12-10. Review status: criteria provided, single submitter. Criteria: Ambry Variant Classification Scheme 2023. Collection method: clinical testing. Allele origin: germline.
Comment: The p.G48A variant (also known as c.143G>C), located in coding exon 2 of the ERCC6L2 gene, results from a G to C substitution at nucleotide position 143. The glycine at codon 48 is replaced by alanine, an amino acid with similar properties. This amino acid position is conserved. In addition, the in silico prediction for this alteration is inconclusive. Based on the available evidence, the clinical significance of this variant remains unclear.